The following is an entry in ClinVar:

ClinVar aggregate classification (germline): Uncertain significance (1 of 4 stars; one submission).

Conditions:
Familial hypobetalipoproteinemia 1. Also called: Hypobetalipoproteinemia, normotriglyceridemic; Acanthocytosis with hypobetalipoproteinemia; APOB-Related Familial Hypobetalipoproteinemia. Identifiers: MedGen C4551990, MONDO:0014252, OMIM 615558.
Hypercholesterolemia, autosomal dominant, type B (FHCL2). Also called: Familial hypercholesterolemia 2; APOB-Related Familial Hypercholesterolemia, Autosomal Dominant; HYPERCHOLESTEROLEMIA, FAMILIAL, DUE TO LIGAND-DEFECTIVE APOLIPOPROTEIN B; Hyperlipoproteinemia Type IIb; Familial Hypercholesterolemia Type B; APOLIPOPROTEIN B-100, FAMILIAL DEFECTIVE. Identifiers: MedGen C1704417, MONDO:0007751, OMIM 144010.

Allele frequency attached by ClinVar (database versions not stated): gnomAD 0.00001; TOPMed 0.00001; ESP Exome Variant Server 0.00008.

Submission:

Labcorp Genetics (formerly Invitae), Labcorp
Classification: Uncertain significance for Familial hypobetalipoproteinemia 1; Hypercholesterolemia, autosomal dominant, type B. Last evaluated: 2018-01-29. Review status: criteria provided, single submitter. Criteria: Invitae Variant Classification Sherloc (09022015). Collection method: clinical testing. Allele origin: germline.
Comment: In summary, the available evidence is currently insufficient to determine the role of this variant in disease. Therefore, it has been classified as a Variant of Uncertain Significance. Algorithms developed to predict the effect of missense changes on protein structure and function do not agree on the potential impact of this missense change (SIFT: "Deleterious"; PolyPhen-2: "Probably Damaging"; Align-GVGD: "Class C0"). This variant has not been reported in the literature in individuals with APOB-related disease. This variant is not present in population databases (ExAC no frequency). This sequence change replaces proline with alanine at codon 3129 of the APOB protein (p.Pro3129Ala). The proline residue is highly conserved and there is a small physicochemical difference between proline and alanine.

NM_000384.3(APOB):c.9385C>G (p.Pro3129Ala)

Gene: APOB (apolipoprotein B; minus strand). Cytogenetic location: 2p24.1.
Variant type: single nucleotide variant.
Coding change: c.9385C>G on transcript NM_000384.3 (MANE Select); coding-DNA position 9385, C replaced by G.
Protein change: p.Pro3129Ala; replaces proline 3129 with alanine.
Molecular consequence: missense variant.
Genome position (GRCh38, 1-based): chr2:21,007,483, G>C on the plus strand (C>G on the coding strand, the complement: APOB is on the minus strand). VCF-style: chr2-21007483-G-C. GRCh37 (hg19) VCF-style: chr2-21230355-G-C.
Other names: short protein forms P3129A.
Identifiers: ClinVar variation 544082 (VCV000544082.11), dbSNP rs143933265, ClinGen allele CA43497782.